The following is an entry in ClinVar:

ClinVar aggregate classification (germline): Conflicting classifications of pathogenicity. Review status: criteria provided, conflicting classifications (1 of 4 stars). 4 submissions from 4 submitters: Uncertain significance (1); Likely benign (2). 1 of the submissions does not count toward it. Last evaluated 2025-03-10.

Conditions:
CDON-related disorder. Also called: CDON-related condition.
Holoprosencephaly 11 (HPE11). Identifiers: Orphanet 2162, MedGen C3280215, MONDO:0013642, OMIM 614226.

Allele frequency attached by ClinVar (database versions not stated): gnomAD 0.00006; TOPMed 0.00025; 1000 Genomes Project 30x 0.00031; 1000 Genomes Project 0.00040.
gnomAD v4.1: 73 of 1,614,074 alleles (0.0045%); highest among the groups gnomAD compares: East Asian, 0.15%; no homozygotes.

Submissions (4):

Labcorp Genetics (formerly Invitae), Labcorp
Classification: Likely benign for Holoprosencephaly 11. Last evaluated: 2025-03-10. Review status: criteria provided, single submitter. Criteria: Invitae Variant Classification Sherloc (09022015). Collection method: clinical testing. Allele origin: germline.

CeGaT Center for Human Genetics Tuebingen
Classification: Likely benign. Last evaluated: 2023-02-01. Review status: criteria provided, single submitter. Criteria: CeGaT Center For Human Genetics Tuebingen Variant Classification Criteria Version 2. Collection method: clinical testing. Allele origin: germline. Affected: yes. Observed: 1 variant allele.
Comment: CDON: BP4

GeneDx
Classification: Uncertain significance. Last evaluated: 2019-12-19. Review status: criteria provided, single submitter. Criteria: GeneDx Variant Classification Process June 2021. Collection method: clinical testing. Allele origin: germline. Affected: yes.
Comment: In silico analysis, which includes splice predictors and evolutionary conservation, supports that this variant does not alter protein structure/function; Has not been previously published as pathogenic or benign to our knowledge

PreventionGenetics, part of Exact Sciences
Classification: Likely benign for CDON-related condition. Last evaluated: 2024-06-02. Review status: no assertion criteria provided. Collection method: clinical testing. Allele origin: germline. Not counted in ClinVar's aggregate classification.
Comment: This variant is classified as likely benign based on ACMG/AMP sequence variant interpretation guidelines (Richards et al. 2015 PMID: 25741868, with internal and published modifications).

NM_001378964.1(CDON):c.1069C>A (p.Arg357=)

Gene: CDON (cell adhesion associated, oncogene regulated; minus strand). Cytogenetic location: 11q24.2.
Variant type: single nucleotide variant.
Coding change: c.1069C>A on transcript NM_001378964.1 (MANE Select); coding-DNA position 1069, C replaced by A.
Protein change: p.Arg357=; no amino-acid change (arginine 357 retained).
Molecular consequence: synonymous variant.
Genome position (GRCh38, 1-based): chr11:126,015,370, G>T on the plus strand (C>A on the coding strand, the complement: CDON is on the minus strand). VCF-style: chr11-126015370-G-T. GRCh37 (hg19) VCF-style: chr11-125885265-G-T.
Other names: c.1069C>A, p.Arg357= (NM_001243597.3, NM_016952.6).
Identifiers: ClinVar variation 702448 (VCV000702448.35), dbSNP rs200614048, ClinGen allele CA6352167.